The following is an entry in ClinVar:

NM_005477.3(HCN4):c.2129G>T (p.Arg710Leu)

Gene: HCN4 (hyperpolarization activated cyclic nucleotide gated potassium channel 4; minus strand). Cytogenetic location: 15q24.1.
Variant type: single nucleotide variant.
Coding change: c.2129G>T on transcript NM_005477.3 (MANE Select); coding-DNA position 2129, G replaced by T.
Protein change: p.Arg710Leu; replaces arginine 710 with leucine.
Molecular consequence: missense variant.
Genome position (GRCh38, 1-based): chr15:73,324,103, C>A on the plus strand (G>T on the coding strand, the complement: HCN4 is on the minus strand). VCF-style: chr15-73324103-C-A. GRCh37 (hg19) VCF-style: chr15-73616444-C-A.
Other names: c.2129G>T (NM_005477.2); short protein forms R710L.
Identifiers: ClinVar variation 2861151 (VCV002861151.4), dbSNP rs961219559, ClinGen allele CA393089852.
Genomic context (GRCh38, chr15:73,324,103, plus strand): 5'-CCCCCAACACCCCCCACCTGCCCCGCCTGTGGCCCCTCCCCCTCACCAATGCGGTCCAGG[C>A]GGTCCAGCGCCACGGTCTCGAAGGCCCTTCGCATCATGGGGTACTCCTCCAGCACCTCAT-3'
Protein context (NP_005468.1, residues 700-720): RRAFETVALD[Arg710Leu]LDRIGKKNSI

ClinVar aggregate classification (germline): Uncertain significance. Review status: criteria provided, multiple submitters, no conflicts (2 of 4 stars). 2 submissions from 2 submitters: Uncertain significance (2). Last evaluated 2025-05-01.

Conditions:
Brugada syndrome 8 (BRGDA8). Identifiers: Orphanet 130, MedGen C2751083, MONDO:0013148, OMIM 613123.
Cardiovascular phenotype. Identifiers: MedGen CN230736.

gnomAD v4.1: 1 of 1,613,166 alleles (0.000062%); no homozygotes.

Submissions (2):

Labcorp Genetics (formerly Invitae), Labcorp
Classification: Uncertain significance for Brugada syndrome 8. Last evaluated: 2025-05-01. Review status: criteria provided, single submitter. Criteria: Invitae Variant Classification Sherloc (09022015). Collection method: clinical testing. Allele origin: germline.
Comment: This sequence change replaces arginine, which is basic and polar, with leucine, which is neutral and non-polar, at codon 710 of the HCN4 protein (p.Arg710Leu). This variant is not present in population databases (gnomAD no frequency). This variant has not been reported in the literature in individuals affected with HCN4-related conditions. ClinVar contains an entry for this variant (Variation ID: 2861151). Invitae Evidence Modeling of protein sequence and biophysical properties (such as structural, functional, and spatial information, amino acid conservation, physicochemical variation, residue mobility, and thermodynamic stability) indicates that this missense variant is expected to disrupt HCN4 protein function with a positive predictive value of 95%. In summary, the available evidence is currently insufficient to determine the role of this variant in disease. Therefore, it has been classified as a Variant of Uncertain Significance.

Ambry Genetics
Classification: Uncertain significance for Cardiovascular phenotype. Last evaluated: 2024-03-16. Review status: criteria provided, single submitter. Criteria: Ambry Variant Classification Scheme 2023. Collection method: clinical testing. Allele origin: germline.